The following is an entry in ClinVar:

NM_001378183.1(PIEZO2):c.3507G>A (p.Met1169Ile)

Gene: PIEZO2 (piezo type mechanosensitive ion channel component 2; minus strand). Cytogenetic location: 18p11.22.
Variant type: single nucleotide variant.
Coding change: c.3507G>A on transcript NM_001378183.1 (MANE Select); coding-DNA position 3507, G replaced by A.
Protein change: p.Met1169Ile; replaces methionine 1169 with isoleucine.
Molecular consequence: missense variant.
Genome position (GRCh38, 1-based): chr18:10,759,853, C>T on the plus strand (G>A on the coding strand, the complement: PIEZO2 is on the minus strand). VCF-style: chr18-10759853-C-T. GRCh37 (hg19) VCF-style: chr18-10759851-C-T.
Other names: c.3507G>A, p.Met1169Ile (NM_001410871.1); c.3432G>A, p.Met1144Ile (NM_022068.4); short protein forms M1144I, M1169I.
Identifiers: ClinVar variation 2355041 (VCV002355041.3), dbSNP rs930564863, ClinGen allele CA296030657.

ClinVar aggregate classification (germline): Uncertain significance. Review status: criteria provided, multiple submitters, no conflicts (2 of 4 stars). 2 submissions from 2 submitters: Uncertain significance (2). Last evaluated 2024-11-25.

Conditions:
Inborn genetic diseases. Identifiers: MedGen C0950123, MeSH D030342.

Allele frequency attached by ClinVar (database versions not stated): gnomAD exomes 0.00006; gnomAD 0.00037.

Submissions (2):

GeneDx
Classification: Uncertain significance. Last evaluated: 2024-11-25. Review status: criteria provided, single submitter. Criteria: GeneDx Variant Classification Process June 2021. Collection method: clinical testing. Allele origin: germline. Affected: yes.
Comment: In silico analysis indicates that this missense variant does not alter protein structure/function; Has not been previously published as pathogenic or benign to our knowledge

Ambry Genetics
Classification: Uncertain significance for Inborn genetic diseases. Last evaluated: 2022-04-07. Review status: criteria provided, single submitter. Criteria: Ambry Variant Classification Scheme 2023. Collection method: clinical testing. Allele origin: germline.